The following is an entry in ClinVar:

NM_003193.5(TBCE):c.885G>A (p.Pro295=)

Gene: TBCE (tubulin folding cofactor E; plus strand). Cytogenetic location: 1q42.3.
Variant type: single nucleotide variant.
Coding change: c.885G>A on transcript NM_003193.5 (MANE Select); coding-DNA position 885, G replaced by A.
Protein change: p.Pro295=; no amino-acid change (proline 295 retained).
Molecular consequence: synonymous variant.
Genome position (GRCh38, 1-based): chr1:235,436,437, G>A. VCF-style: chr1-235436437-G-A. GRCh37 (hg19) VCF-style: chr1-235599752-G-A.
Other names: c.885G>A, p.Pro295= (NM_001079515.3); c.1038G>A, p.Pro346= (NM_001287801.2); c.546G>A, p.Pro182= (NM_001287802.2).
Identifiers: ClinVar variation 2142357 (VCV002142357.4), dbSNP rs768389458, ClinGen allele CA1464236.

ClinVar aggregate classification (germline): Uncertain significance (1 of 4 stars; one submission).

Allele frequency attached by ClinVar (database versions not stated): TOPMed below 0.00001; ExAC 0.00001; gnomAD exomes 0.00001.
gnomAD v4.1: 18 of 1,613,896 alleles (0.0011%); highest among the groups gnomAD compares: Middle Eastern, 0.016%; no homozygotes.

Submissions (2):

Labcorp Genetics (formerly Invitae), Labcorp
Classification: Uncertain significance. Last evaluated: 2024-11-18. Review status: criteria provided, single submitter. Criteria: Invitae Variant Classification Sherloc (09022015). Collection method: clinical testing. Allele origin: germline.
Comment: This sequence change affects codon 295 of the TBCE mRNA. It is a 'silent' change, meaning that it does not change the encoded amino acid sequence of the TBCE protein. This variant is present in population databases (rs768389458, gnomAD 0.004%). This variant has not been reported in the literature in individuals affected with TBCE-related conditions. ClinVar contains an entry for this variant (Variation ID: 2142357). Algorithms developed to predict the effect of sequence changes on RNA splicing suggest that this variant may disrupt the consensus splice site. In summary, the available evidence is currently insufficient to determine the role of this variant in disease. Therefore, it has been classified as a Variant of Uncertain Significance.

Dr. Peter K. Rogan Lab, Western University
No classification provided (evidence only). Condition: Ovarian cancer. Review status: no classification provided. Collection method: in vitro. Allele origin: not applicable. Functional consequence: retained intron. Not counted in ClinVar's aggregate classification.